The following is an entry in ClinVar:

ClinVar aggregate classification (germline): Likely pathogenic (1 of 4 stars; one submission).

Conditions:
Hyperlipidemia, familial combined, LPL related (FCHL3). Also called: Hyperapobetalipoproteinemia. Identifiers: MedGen C0020474, MONDO:0007759, OMIM 144250, HP:0008158.

Submission:

MVZ Medizinische Genetik Mainz
Classification: Likely pathogenic for Hyperlipidemia, familial combined, LPL related. Last evaluated: 2023-07-10. Review status: criteria provided, single submitter. Criteria: UK Practice Guidelines For Variant Classification V4 01 2020. Collection method: clinical testing. Allele origin: germline. Inheritance: Autosomal dominant inheritance. Affected: yes. Observed: 1 variant allele.
Comment: ACMG Criteria: PVS1,PM2_SUP

NM_000237.3(LPL):c.386_389del (p.Lys129fs)

Gene: LPL (lipoprotein lipase; plus strand). Cytogenetic location: 8p21.3.
Variant type: Deletion.
Coding change: c.386_389del on transcript NM_000237.3 (MANE Select); coding-DNA positions 386 to 389, 4 bases deleted (AACT; older notation c.386_389delAACT).
Protein change: p.Lys129fs; shifts the reading frame from lysine 129.
Molecular consequence: frameshift variant.
Genome position (GRCh38, 1-based): chr8:19,951,905-19,951,908, AACT deleted. VCF-style (leftmost placement, unchanged base first): chr8-19951904-AAACT-A. GRCh37 (hg19) VCF-style: chr8-19809415-AAACT-A.
Other names: short protein forms K129fs.
Identifiers: ClinVar variation 3066297 (VCV003066297.1), dbSNP rs2540103296, ClinGen allele CA2740098019.